The following is an entry in ClinVar:

NM_014679.5(CEP57):c.46-2A>T

Gene: CEP57 (centrosomal protein 57; plus strand). Cytogenetic location: 11q21.
Variant type: single nucleotide variant.
Coding change: c.46-2A>T on transcript NM_014679.5 (MANE Select); the canonical splice acceptor site of the intron before coding-DNA position 46, A replaced by T.
Molecular consequence: splice acceptor variant.
Genome position (GRCh38, 1-based): chr11:95,799,230, A>T. VCF-style: chr11-95799230-A-T. GRCh37 (hg19) VCF-style: chr11-95532394-A-T.
Other names: c.-36-2A>T (NM_001363604.2); c.19-2A>T (NM_001243776.2); c.46-2A>T (NM_001243777.2).
Identifiers: ClinVar variation 2161490 (VCV002161490.4), dbSNP rs1284736469, ClinGen allele CA382415363.

ClinVar aggregate classification (germline): Likely pathogenic (1 of 4 stars; one submission).

Conditions:
Mosaic variegated aneuploidy syndrome 2 (MVA2). Identifiers: Orphanet 1052, MedGen C3279843, MONDO:0013582, OMIM 614114.

Allele frequency attached by ClinVar (database versions not stated): gnomAD 0.00001; TOPMed 0.00001; gnomAD exomes 0.00002.
gnomAD v4.1: 34 of 1,613,892 alleles (0.0021%); highest among the groups gnomAD compares: Non-Finnish European, 0.0029%; no homozygotes.

Submission:

Labcorp Genetics (formerly Invitae), Labcorp
Classification: Likely pathogenic for Mosaic variegated aneuploidy syndrome 2. Last evaluated: 2022-03-10. Review status: criteria provided, single submitter. Criteria: Invitae Variant Classification Sherloc (09022015). Collection method: clinical testing. Allele origin: germline.
Comment: In summary, the currently available evidence indicates that the variant is pathogenic, but additional data are needed to prove that conclusively. Therefore, this variant has been classified as Likely Pathogenic. Algorithms developed to predict the effect of sequence changes on RNA splicing suggest that this variant may disrupt the consensus splice site. This variant has not been reported in the literature in individuals affected with CEP57-related conditions. This variant is present in population databases (no rsID available, gnomAD 0.0009%). This sequence change affects an acceptor splice site in intron 1 of the CEP57 gene. It is expected to disrupt RNA splicing. Variants that disrupt the donor or acceptor splice site typically lead to a loss of protein function (PMID: 16199547), and loss-of-function variants in CEP57 are known to be pathogenic (PMID: 21552266, 24259107).

Literature cited by the submitters: PubMed 16199547; PubMed 21552266; PubMed 24259107.